The following is an entry in ClinVar:

ClinVar aggregate classification (germline): Uncertain significance (1 of 4 stars; one submission).

Conditions:
Amyotrophic lateral sclerosis type 1 (ALS1). Also called: AMYOTROPHIC LATERAL SCLEROSIS 1, FAMILIAL. Identifiers: Orphanet 803, MedGen C1862939, MONDO:0007103, OMIM 105400.
Neuronopathy, distal hereditary motor, type 7B. Also called: Distal Hereditary Motor Neuronopathy Type 7B (dHMN7B); HMN VIIB; LOWER MOTOR NEURON DISEASE, DYNACTIN TYPE; NEURONOPATHY, DISTAL HEREDITARY MOTOR, AUTOSOMAL DOMINANT 14; NEURONOPATHY, DISTAL HEREDITARY MOTOR, HARDING TYPE VIIB; NEUROPATHY, DISTAL HEREDITARY MOTOR, HARDING TYPE VIIB. Identifiers: Orphanet 139589, MedGen C1843315, MONDO:0011879, OMIM 607641.
Perry syndrome. Also called: PARKINSONISM WITH ALVEOLAR HYPOVENTILATION AND MENTAL DEPRESSION. Identifiers: Orphanet 178509, MedGen C1868594, MONDO:0008201, OMIM 168605.

Allele frequency attached by ClinVar (database versions not stated): TOPMed below 0.00001; gnomAD exomes 0.00002.
gnomAD v4.1: 25 of 1,590,542 alleles (0.0016%); highest among the groups gnomAD compares: Non-Finnish European, 0.0019%; no homozygotes.

Submission:

Labcorp Genetics (formerly Invitae), Labcorp
Classification: Uncertain significance for Amyotrophic lateral sclerosis type 1; Neuronopathy, distal hereditary motor, type 7B; Perry syndrome. Last evaluated: 2024-06-03. Review status: criteria provided, single submitter. Criteria: Invitae Variant Classification Sherloc (09022015). Collection method: clinical testing. Allele origin: germline.
Comment: This sequence change replaces glutamine, which is neutral and polar, with glutamic acid, which is acidic and polar, at codon 188 of the DCTN1 protein (p.Gln188Glu). This variant is present in population databases (no rsID available, gnomAD 0.004%). This variant has not been reported in the literature in individuals affected with DCTN1-related conditions. Advanced modeling of protein sequence and biophysical properties (such as structural, functional, and spatial information, amino acid conservation, physicochemical variation, residue mobility, and thermodynamic stability) performed at Invitae indicates that this missense variant is not expected to disrupt DCTN1 protein function with a negative predictive value of 80%. In summary, the available evidence is currently insufficient to determine the role of this variant in disease. Therefore, it has been classified as a Variant of Uncertain Significance.

NM_004082.5(DCTN1):c.562C>G (p.Gln188Glu)

Gene: DCTN1 (dynactin subunit 1; minus strand). Cytogenetic location: 2p13.1.
Variant type: single nucleotide variant.
Coding change: c.562C>G on transcript NM_004082.5 (MANE Select); coding-DNA position 562, C replaced by G.
Protein change: p.Gln188Glu; replaces glutamine 188 with glutamic acid.
Molecular consequence: missense variant. On other transcripts: non-coding transcript variant (1).
Genome position (GRCh38, 1-based): chr2:74,371,620, G>C on the plus strand (C>G on the coding strand, the complement: DCTN1 is on the minus strand). VCF-style: chr2-74371620-G-C. GRCh37 (hg19) VCF-style: chr2-74598747-G-C.
Other names: c.502C>G, p.Gln168Glu (NM_001135040.3); c.160C>G, p.Gln54Glu (NM_001135041.3, NM_023019.4); c.451C>G, p.Gln151Glu (NM_001190836.2); c.541C>G, p.Gln181Glu (NM_001190837.2); c.511C>G, p.Gln171Glu (NM_001378991.1); c.493C>G, p.Gln165Glu (NM_001378992.1); short protein forms Q168E, Q54E, Q151E, Q165E, Q181E, Q171E, Q188E.
Identifiers: ClinVar variation 2922007 (VCV002922007.3), dbSNP rs1025345953, ClinGen allele CA50477528.
Genomic context (GRCh38, chr2:74,371,620, plus strand): 5'-GGACTGCTCCAGGAGAGGTGAGGACCGGCGTGGGGATGATGGGTGCTGCCAGCGGAGTCT[G>C]AGCCGGGGTGCTGGGCTCACTGCTGCTCAGCTCACCTGCTGACGCTGAGCCAGAGGGGCC-3'
Protein context (NP_004073.2, residues 178-198): LSSSEPSTPA[Gln188Glu]TPLAAPIIPT